The following is an entry in ClinVar:

ClinVar aggregate classification (germline): Uncertain significance. Review status: criteria provided, multiple submitters, no conflicts (2 of 4 stars). 2 submissions from 2 submitters: Uncertain significance (2). Last evaluated 2025-09-02.

Conditions:
Hereditary cancer-predisposing syndrome. Also called: Tumor predisposition; Hereditary neoplastic syndrome; Neoplastic Syndromes, Hereditary; Hereditary Cancer Syndrome. Identifiers: Orphanet 140162, MedGen C0027672, MeSH D009386, MONDO:0015356.
Tuberous sclerosis 1 (TSC1). Identifiers: Orphanet 805, MedGen C1854465, MONDO:0008612, OMIM 191100.

Submissions (2):

Labcorp Genetics (formerly Invitae), Labcorp
Classification: Uncertain significance for Tuberous sclerosis 1. Last evaluated: 2025-09-02. Review status: criteria provided, single submitter. Criteria: Invitae Variant Classification Sherloc (09022015). Collection method: clinical testing. Allele origin: germline.
Comment: This sequence change replaces glycine, which is neutral and non-polar, with alanine, which is neutral and non-polar, at codon 274 of the TSC1 protein (p.Gly274Ala). This variant is not present in population databases (gnomAD no frequency). This variant has not been reported in the literature in individuals affected with TSC1-related conditions. ClinVar contains an entry for this variant (Variation ID: 2692709). Invitae Evidence Modeling of protein sequence and biophysical properties (such as structural, functional, and spatial information, amino acid conservation, physicochemical variation, residue mobility, and thermodynamic stability) indicates that this missense variant is not expected to disrupt TSC1 protein function with a negative predictive value of 95%. In summary, the available evidence is currently insufficient to determine the role of this variant in disease. Therefore, it has been classified as a Variant of Uncertain Significance.

Ambry Genetics
Classification: Uncertain significance for Hereditary cancer-predisposing syndrome. Last evaluated: 2023-10-28. Review status: criteria provided, single submitter. Criteria: Ambry Variant Classification Scheme 2023. Collection method: clinical testing. Allele origin: germline.
Comment: The p.G274A variant (also known as c.821G>C), located in coding exon 7 of the TSC1 gene, results from a G to C substitution at nucleotide position 821. The glycine at codon 274 is replaced by alanine, an amino acid with similar properties. This amino acid position is conserved. In addition, this alteration is predicted to be deleterious by in silico analysis. Since supporting evidence is limited at this time, the clinical significance of this alteration remains unclear.

NM_000368.5(TSC1):c.821G>C (p.Gly274Ala)

Gene: TSC1 (TSC complex subunit 1; minus strand). Cytogenetic location: 9q34.13.
Variant type: single nucleotide variant.
Coding change: c.821G>C on transcript NM_000368.5 (MANE Select); coding-DNA position 821, G replaced by C.
Protein change: p.Gly274Ala; replaces glycine 274 with alanine.
Molecular consequence: missense variant. On other transcripts: 5 prime UTR variant (5), non-coding transcript variant (5).
Genome position (GRCh38, 1-based): chr9:132,912,374, C>G on the plus strand (G>C on the coding strand, the complement: TSC1 is on the minus strand). VCF-style: chr9-132912374-C-G. GRCh37 (hg19) VCF-style: chr9-135787761-C-G.
Other names: c.-273G>C (NM_001406629.1, NM_001406630.1); c.821G>C, p.Gly274Ala (NM_001162426.2, NM_001406592.1, NM_001406593.1 and 16 more transcripts); c.668G>C, p.Gly223Ala (NM_001162427.2, NM_001406610.1, NM_001406611.1 and 2 more transcripts); c.458G>C, p.Gly153Ala (NM_001362177.2, NM_001406621.1, NM_001406622.1 and 10 more transcripts); c.-131G>C (NM_001406626.1, NM_001406627.1, NM_001406628.1); short protein forms G274A, G153A, G223A.
Identifiers: ClinVar variation 2692709 (VCV002692709.4), dbSNP rs2132000813, ClinGen allele CA375369383.
Genomic context (GRCh38, chr9:132,912,374, plus strand): 5'-GTGGTGACATCGGCTGAACGATGAGGAAAGCGGGCTGAGATTTGGTGAGACACAGAATAG[C>G]CATCTTCATATGAGGCTTCTGTGGGATCCAGAGAGATTTTGGCACACTCGATCACAACAT-3'
Protein context (NP_000359.1, residues 264-284): LDPTEASYED[Gly274Ala]YSVSHQISAR